The following is an entry in ClinVar:

ClinVar aggregate classification (germline): Pathogenic. Review status: criteria provided, multiple submitters, no conflicts (2 of 4 stars). 4 submissions from 4 submitters: Pathogenic (4). Last evaluated 2026-05-01.

Conditions:
LAMA2-related muscular dystrophy (LAMA2-RD). Also called: Laminin alpha 2-related dystrophy. Identifiers: MedGen C5679788, MONDO:0100228.
Merosin deficient congenital muscular dystrophy (MDC1A). Also called: Congenital merosin-deficient muscular dystrophy 1A; Congenital Muscular Dystrophy Type 1A (MDC1A). Identifiers: Orphanet 258, MedGen C1263858, MONDO:0011925, OMIM 607855.
Abnormality of the musculature. Identifiers: MedGen C4021745, HP:0003011.

Allele frequency attached by ClinVar (database versions not stated): gnomAD exomes 0.00002.
gnomAD v4.1: 7 of 1,613,936 alleles (0.00043%); highest among the groups gnomAD compares: South Asian, 0.0044%; no homozygotes.

Submissions (4):

Institute of Medical Genetics and Genomics, Sir Ganga Ram Hospital
Classification: Pathogenic for Merosin deficient congenital muscular dystrophy. Last evaluated: 2026-05-01. Review status: criteria provided, single submitter. Criteria: ACMG Guidelines, 2015. Collection method: clinical testing. Allele origin: germline. Inheritance: Autosomal recessive inheritance. Affected: yes. Observed: 1 variant allele, 1 homozygote.
Comment: A homozygous 1 base single nucleotide variant (SNV) has been identified in LAMA2 gene. This change is present in coding exon 02 of this gene resulting a nonsense event [PVS1]. This nonsense variants is present in the gnomAD (aggregated) database with an allele frequency of 0.0018% [05 Heterozygotes, 00 Homozygotes] [PM2]. This variant is submitted in clinvar database [Variation ID: VCV001180611.7] with a pathogenic interpretation by multiple submitters [PP5]. The identified variant have been reported in a patient affected with congenital muscular dystrophy PMID:32154989. Based on the available evidences, and phenotypic overlap with the clinical symptoms of the proband, the variant has been clasified as “ Pathogenic”.

Labcorp Genetics (formerly Invitae), Labcorp
Classification: Pathogenic for LAMA2-related muscular dystrophy. Last evaluated: 2023-08-11. Review status: criteria provided, single submitter. Criteria: Invitae Variant Classification Sherloc (09022015). Collection method: clinical testing. Allele origin: germline.
Comment: ClinVar contains an entry for this variant (Variation ID: 1180611). This sequence change creates a premature translational stop signal (p.Arg84*) in the LAMA2 gene. It is expected to result in an absent or disrupted protein product. Loss-of-function variants in LAMA2 are known to be pathogenic (PMID: 18700894, 32904964). This variant is present in population databases (no rsID available, gnomAD 0.01%). This premature translational stop signal has been observed in individual(s) with LAMA2-related conditions (PMID: 32154989). For these reasons, this variant has been classified as Pathogenic.

Baylor Genetics
Classification: Pathogenic for Merosin deficient congenital muscular dystrophy. Last evaluated: 2023-04-05. Review status: criteria provided, single submitter. Criteria: ACMG Guidelines, 2015. Collection method: clinical testing. Allele origin: unknown.

Kariminejad - Najmabadi Pathology & Genetics Center
Classification: Pathogenic for Abnormality of the musculature. Last evaluated: 2021-07-10. Review status: criteria provided, single submitter. Criteria: ACMG Guidelines, 2015. Collection method: clinical testing. Allele origin: germline. Affected: yes.

Literature cited by the submitters: PubMed 32154989 (cited by Institute of Medical Genetics and Genomics, Sir Ganga Ram Hospital and Labcorp Genetics (formerly Invitae), Labcorp); PubMed 18700894 (cited by Labcorp Genetics (formerly Invitae), Labcorp); PubMed 32904964 (cited by Labcorp Genetics (formerly Invitae), Labcorp).

NM_000426.4(LAMA2):c.250C>T (p.Arg84Ter)

Gene: LAMA2 (laminin subunit alpha 2; plus strand). Cytogenetic location: 6q22.33.
Variant type: single nucleotide variant.
Coding change: c.250C>T on transcript NM_000426.4 (MANE Select); coding-DNA position 250, C replaced by T.
Protein change: p.Arg84Ter; replaces arginine 84 with a stop codon.
Molecular consequence: nonsense.
Genome position (GRCh38, 1-based): chr6:129,050,055, C>T. VCF-style: chr6-129050055-C-T. GRCh37 (hg19) VCF-style: chr6-129371200-C-T.
Other names: c.250C>T, p.Arg84Ter (NM_001079823.2); short protein forms R84*.
Identifiers: ClinVar variation 1180611 (VCV001180611.8), dbSNP rs868019991, ClinGen allele CA147269476.
Genomic context (GRCh38, chr6:129,050,055, plus strand): 5'-GAAATGTACTGCAAATTGGTAGAACATGTCCCTGGGCAGCCTGTGAGGAACCCGCAGTGT[C>T]GAATCTGCAATCAAAACAGCAGCAATCCAAACCGTATGTATTTTAGTGTGTAGGTGTGTG-3'